The following is an entry in ClinVar:

ClinVar aggregate classification (germline): Pathogenic/Likely pathogenic. Review status: criteria provided, multiple submitters, no conflicts (2 of 4 stars). 3 submissions from 3 submitters: Pathogenic (2); Likely pathogenic (1). Last evaluated 2025-02-10.

Conditions:
OTOGL-related disorder. Also called: OTOGL-related condition.
Autosomal recessive nonsyndromic hearing loss 84B. Also called: Deafness, autosomal recessive 84b. Identifiers: Orphanet 90636, MedGen C3554159, MONDO:0013984, OMIM 614944.

gnomAD v4.1: 115 of 1,569,748 alleles (0.0073%); highest among the groups gnomAD compares: Non-Finnish European, 0.009%; no homozygotes.

Submissions (3):

GeneDx
Classification: Pathogenic. Last evaluated: 2025-02-10. Review status: criteria provided, single submitter. Criteria: GeneDx Variant Classification Process June 2021. Collection method: clinical testing. Allele origin: germline. Affected: yes.
Comment: Nonsense variant predicted to result in protein truncation or nonsense mediated decay in a gene for which loss of function is a known mechanism of disease; Not observed at significant frequency in large population cohorts (gnomAD); This variant is associated with the following publications: (PMID: 33455126, 34365619, 28426234, 23850727)

Blueprint Genetics
Classification: Pathogenic for OTOGL-related disorders. Last evaluated: 2024-10-07. Review status: criteria provided, single submitter. Criteria: ACMG Guidelines, 2015. Collection method: clinical testing. Allele origin: germline. Affected: yes. Observed: 5 variant alleles.

Juno Genomics, Hangzhou Juno Genomics, Inc
Classification: Likely pathogenic for Autosomal recessive nonsyndromic hearing loss 84B. Review status: criteria provided, single submitter. Criteria: ACMG Guidelines, 2015. Collection method: clinical testing. Allele origin: germline.
Comment: Null variant in a gene where loss of function (LOF) is a known mechanism of disease.;Absent from controls (or at extremely low frequency if recessive) in Genome Aggregation Database.

NM_001378609.3(OTOGL):c.2800C>T (p.Arg934Ter)

Gene: OTOGL (otogelin like; plus strand). Cytogenetic location: 12q21.31.
Variant type: single nucleotide variant.
Coding change: c.2800C>T on transcript NM_001378609.3 (MANE Select); coding-DNA position 2800, C replaced by T.
Protein change: p.Arg934Ter; replaces arginine 934 with a stop codon.
Molecular consequence: nonsense.
Genome position (GRCh38, 1-based): chr12:80,279,038, C>T. VCF-style: chr12-80279038-C-T. GRCh37 (hg19) VCF-style: chr12-80672818-C-T.
Other names: c.2800C>T, p.Arg934Ter (NM_001368062.3, NM_001378610.3, NM_173591.7); short protein forms R934*.
Identifiers: ClinVar variation 4074343 (VCV004074343.4).